The following is an entry in ClinVar:

ClinVar aggregate classification (germline): Pathogenic (1 of 4 stars; one submission).

Submission:

Labcorp Genetics (formerly Invitae), Labcorp
Classification: Pathogenic. Last evaluated: 2026-01-20. Review status: criteria provided, single submitter. Criteria: Invitae Variant Classification Sherloc (09022015). Collection method: clinical testing. Allele origin: germline.
Comment: This sequence change creates a premature translational stop signal (p.Arg861*) in the RUSC2 gene. It is expected to result in an absent or disrupted protein product. Loss-of-function variants in RUSC2 are known to be pathogenic (PMID: 27612186). This variant is not present in population databases (gnomAD no frequency). This variant has not been reported in the literature in individuals affected with RUSC2-related conditions. ClinVar contains an entry for this variant (Variation ID: 2110187). For these reasons, this variant has been classified as Pathogenic.

Literature cited by the submitters: PubMed 27612186.

NM_014806.5(RUSC2):c.2581C>T (p.Arg861Ter)

Gene: RUSC2 (RUN and SH3 domain containing 2; plus strand). Cytogenetic location: 9p13.3.
Variant type: single nucleotide variant.
Coding change: c.2581C>T on transcript NM_014806.5 (MANE Select); coding-DNA position 2581, C replaced by T.
Protein change: p.Arg861Ter; replaces arginine 861 with a stop codon.
Molecular consequence: nonsense. On other transcripts: 5 prime UTR variant (1), non-coding transcript variant (1).
Genome position (GRCh38, 1-based): chr9:35,555,626, C>T. VCF-style: chr9-35555626-C-T. GRCh37 (hg19) VCF-style: chr9-35555623-C-T.
Other names: c.2581C>T, p.Arg861Ter (NM_001135999.2); c.-54C>T (NM_001330740.2); short protein forms R861*.
Identifiers: ClinVar variation 2110187 (VCV002110187.4), dbSNP rs144693880, ClinGen allele CA373342654.